The following is an entry in ClinVar:

NM_001267550.2(TTN):c.87616GAA[1] (p.Glu29207del)

Genes: TTN (titin; minus strand), TTN-AS1 (TTN antisense RNA 1; plus strand). Cytogenetic location: 2q31.2.
Variant type: Microsatellite.
Coding change: c.87616GAA[1] on transcript NM_001267550.2 (MANE Select); one copy of the 3-base unit GAA starting at c.87616; the reference has two copies in a row; one copy, 3 bases deleted; also written c.87619_87621del.
Protein change: p.Glu29207del; deletes glutamic acid 29207.
Molecular consequence: inframe deletion.
Genome position (GRCh38, 1-based): chr2:178,557,733-178,557,735, TTC deleted on the plus strand (GAA on the coding strand, the reverse complement: TTN is on the minus strand); deleting any 3 consecutive bases within chr2:178,557,733-178,557,739 gives the same sequence; the position shown is the placement nearest the transcript's 3' end. VCF-style (leftmost placement, unchanged base first): chr2-178557732-ATTC-A. GRCh37 (hg19) VCF-style: chr2-179422459-ATTC-A.
Other names: c.82693GAA[1], p.Glu27566del (NM_001256850.1); c.60421GAA[1], p.Glu20142del (NM_003319.4); c.79912GAA[1], p.Glu26639del (NM_133378.4); c.60796GAA[1], p.Glu20267del (NM_133432.3); c.60997GAA[1], p.Glu20334del (NM_133437.4); c.79915_79917del (NM_133378.4); c.60424_60426delGAA (NM_003319.4); c.87619_87621del (NM_001267550.2); short protein forms E26639del, E29207del, E20142del, E20334del, E20267del, E27566del.
Identifiers: ClinVar variation 212482 (VCV000212482.12), dbSNP rs753636173, ClinGen allele CA248825.
Genomic context (GRCh38, chr2:178,557,732, plus strand): 5'-AAGCTGAATCTATATGATCACTGATGCCAAAGCGGTTTTCTGCCTTGATGCGGAATTGGT[ATTC>A]TTCTCCTGTGGTCAGTTTCATGACTTTCATCATGGTTCTTGCAACTGTTGCAGACACTTC-3'

ClinVar aggregate classification (germline): Uncertain significance. Review status: criteria provided, multiple submitters, no conflicts (2 of 4 stars). 5 submissions from 5 submitters: Uncertain significance (5). Last evaluated 2022-12-09.

Conditions:
Cardiovascular phenotype. Identifiers: MedGen CN230736.
Autosomal recessive limb-girdle muscular dystrophy type 2J (LGMDR10). Also called: MUSCULAR DYSTROPHY, LIMB-GIRDLE, AUTOSOMAL RECESSIVE 10; Limb-girdle muscular dystrophy, type 2J. Identifiers: Orphanet 140922, MedGen C1837342, MONDO:0012127, OMIM 608807.
Tibial muscular dystrophy (TMD). Also called: Udd Distal Myopathy – Tibial Muscular Dystrophy; UDD MYOPATHY; Tibial muscular dystrophy, tardive. Identifiers: Orphanet 609, MedGen C1838244, MONDO:0010870, OMIM 600334.
Dilated cardiomyopathy 1G (CMD1G). Identifiers: Orphanet 154, MedGen C1858763, MONDO:0011400, OMIM 604145.
Early-onset myopathy with fatal cardiomyopathy (CMYO5). Also called: CONGENITAL MYOPATHY 5 WITH CARDIOMYOPATHY; Salih Myopathy. Identifiers: Orphanet 289377, MedGen C2673677, MONDO:0012714, OMIM 611705. Disease mechanism: loss of function.
Myopathy, myofibrillar, 9, with early respiratory failure (MFM9). Also called: EDSTROM MYOPATHY; MYOPATHY, PROXIMAL, WITH EARLY RESPIRATORY MUSCLE INVOLVEMENT; Hereditary myopathy with early respiratory failure; Myopathy, distal, with early respiratory failure, autosomal dominant. Identifiers: Orphanet 178464, Orphanet 34521, MedGen C1863599, MONDO:0011362, OMIM 603689.
Hypertrophic cardiomyopathy 9. Also called: Familial hypertrophic cardiomyopathy 9. Identifiers: MedGen C1861065, MONDO:0013412, OMIM 613765.

Submissions (5):

Ambry Genetics
Classification: Uncertain significance for Cardiovascular phenotype. Last evaluated: 2022-12-09. Review status: criteria provided, single submitter. Criteria: Ambry Variant Classification Scheme 2023. Collection method: clinical testing. Allele origin: germline.
Comment: The c.60424_60426delGAA variant (also known as p.E20142del) is located in coding exon 155 of the TTN gene. This variant results from an in-frame GAA deletion at nucleotide positions 60424 to 60426. This results in the in-frame deletion of a glutamic acid at codon 20142. This amino acid position is highly conserved in available vertebrate species. In addition, this alteration is predicted to be deleterious by in silico analysis (Choi Y et al. PLoS ONE. 2012; 7(10):e46688). Since supporting evidence is limited at this time, the clinical significance of this alteration remains unclear.

Fulgent Genetics
Classification: Uncertain significance for Tibial muscular dystrophy; Myopathy, myofibrillar, 9, with early respiratory failure; Dilated cardiomyopathy 1G; Autosomal recessive limb-girdle muscular dystrophy type 2J; Early-onset myopathy with fatal cardiomyopathy; Hypertrophic cardiomyopathy 9. Last evaluated: 2021-09-07. Review status: criteria provided, single submitter. Criteria: ACMG Guidelines, 2015. Collection method: clinical testing. Allele origin: unknown.

Revvity Omics, Revvity
Classification: Uncertain significance. Last evaluated: 2021-08-18. Review status: criteria provided, single submitter. Criteria: ACMG Guidelines, 2015. Collection method: clinical testing. Allele origin: germline.

Genomic Diagnostic Laboratory, Division of Genomic Diagnostics, Children's Hospital of Philadelphia
Classification: Uncertain significance. Last evaluated: 2015-06-16. Review status: criteria provided, single submitter. Criteria: DGD Variant Analysis Guidelines. Collection method: clinical testing. Allele origin: unknown.

Genetic Services Laboratory, University of Chicago
Classification: Uncertain significance. Last evaluated: 2014-11-19. Review status: criteria provided, single submitter. Criteria: ACMG Guidelines, 2015. Collection method: clinical testing. Allele origin: germline.